The following is an entry in ClinVar:

ClinVar aggregate classification (germline): Uncertain significance. Review status: criteria provided, multiple submitters, no conflicts (2 of 4 stars). 2 submissions from 2 submitters: Uncertain significance (2). Last evaluated 2025-08-25.

Conditions:
Inborn genetic diseases. Identifiers: MedGen C0950123, MeSH D030342.

gnomAD v4.1: 4 of 1,610,710 alleles (0.00025%); highest among the groups gnomAD compares: Non-Finnish European, 0.00034%; no homozygotes.

Submissions (2):

Ambry Genetics
Classification: Uncertain significance for Inborn genetic diseases. Last evaluated: 2025-08-25. Review status: criteria provided, single submitter. Criteria: Ambry Variant Classification Scheme 2023. Collection method: clinical testing. Allele origin: germline.

Labcorp Genetics (formerly Invitae), Labcorp
Classification: Uncertain significance. Last evaluated: 2022-03-04. Review status: criteria provided, single submitter. Criteria: Invitae Variant Classification Sherloc (09022015). Collection method: clinical testing. Allele origin: germline.
Comment: This sequence change replaces aspartic acid, which is acidic and polar, with glutamic acid, which is acidic and polar, at codon 295 of the SLC39A14 protein (p.Asp295Glu). This variant is not present in population databases (gnomAD no frequency). This variant has not been reported in the literature in individuals affected with SLC39A14-related conditions. Algorithms developed to predict the effect of missense changes on protein structure and function output the following: SIFT: "Tolerated"; PolyPhen-2: "Benign"; Align-GVGD: "Class C0". The glutamic acid amino acid residue is found in multiple mammalian species, which suggests that this missense change does not adversely affect protein function. In summary, the available evidence is currently insufficient to determine the role of this variant in disease. Therefore, it has been classified as a Variant of Uncertain Significance.

NM_001128431.4(SLC39A14):c.885C>A (p.Asp295Glu)

Gene: SLC39A14 (solute carrier family 39 member 14; plus strand). Cytogenetic location: 8p21.3.
Variant type: single nucleotide variant.
Coding change: c.885C>A on transcript NM_001128431.4 (MANE Select); coding-DNA position 885, C replaced by A.
Protein change: p.Asp295Glu; replaces aspartic acid 295 with glutamic acid.
Molecular consequence: missense variant.
Genome position (GRCh38, 1-based): chr8:22,415,903, C>A. VCF-style: chr8-22415903-C-A. GRCh37 (hg19) VCF-style: chr8-22273416-C-A.
Other names: c.885C>A, p.Asp295Glu (NM_001135153.3, NM_001135154.3, NM_001351655.2 and 3 more transcripts); c.915C>A, p.Asp305Glu (NM_001351657.2, NM_001351658.2, NM_001351659.2); c.885C>A (NM_001135153.1); short protein forms D305E, D295E.
Identifiers: ClinVar variation 1972163 (VCV001972163.6), dbSNP rs576951128, ClinGen allele CA370532707.